The following is an entry in ClinVar:

ClinVar aggregate classification (germline): Uncertain significance (1 of 4 stars; one submission).

Conditions:
Cutis laxa, autosomal dominant 3 (ADCL3). Identifiers: Orphanet 90348, MedGen C4225268, MONDO:0014706, OMIM 616603.
Autosomal dominant spastic paraplegia type 9. Identifiers: MedGen C1832669, MONDO:0015091.
de Barsy syndrome. Also called: Cutis laxa-corneal clouding-oligophrenia syndrome. Identifiers: Orphanet 2962, MedGen C0268354, MONDO:0017569.

gnomAD v4.1: 1 of 1,613,968 alleles (0.000062%); highest among the groups gnomAD compares: East Asian, 0.0022%; no homozygotes.

Submission:

Labcorp Genetics (formerly Invitae), Labcorp
Classification: Uncertain significance for Autosomal dominant spastic paraplegia type 9; de Barsy syndrome; Cutis laxa, autosomal dominant 3. Last evaluated: 2023-08-03. Review status: criteria provided, single submitter. Criteria: Invitae Variant Classification Sherloc (09022015). Collection method: clinical testing. Allele origin: germline.
Comment: This sequence change replaces arginine, which is basic and polar, with proline, which is neutral and non-polar, at codon 371 of the ALDH18A1 protein (p.Arg371Pro). This variant is present in population databases (rs745614904, gnomAD 0.006%). This variant has not been reported in the literature in individuals affected with ALDH18A1-related conditions. Advanced modeling of protein sequence and biophysical properties (such as structural, functional, and spatial information, amino acid conservation, physicochemical variation, residue mobility, and thermodynamic stability) performed at Invitae indicates that this missense variant is expected to disrupt ALDH18A1 protein function. In summary, the available evidence is currently insufficient to determine the role of this variant in disease. Therefore, it has been classified as a Variant of Uncertain Significance.

NM_002860.4(ALDH18A1):c.1112G>C (p.Arg371Pro)

Gene: ALDH18A1 (aldehyde dehydrogenase 18 family member A1; minus strand). Cytogenetic location: 10q24.1.
Variant type: single nucleotide variant.
Coding change: c.1112G>C on transcript NM_002860.4 (MANE Select); coding-DNA position 1112, G replaced by C.
Protein change: p.Arg371Pro; replaces arginine 371 with proline.
Molecular consequence: missense variant.
Genome position (GRCh38, 1-based): chr10:95,626,743, C>G on the plus strand (G>C on the coding strand, the complement: ALDH18A1 is on the minus strand). VCF-style: chr10-95626743-C-G. GRCh37 (hg19) VCF-style: chr10-97386500-C-G.
Other names: c.1106G>C, p.Arg369Pro (NM_001323415.2, NM_001017423.2); c.779G>C, p.Arg260Pro (NM_001323416.2, NM_001323412.2); c.1007G>C, p.Arg336Pro (NM_001323417.2); c.773G>C, p.Arg258Pro (NM_001323418.2); c.476G>C, p.Arg159Pro (NM_001323419.2); c.1112G>C, p.Arg371Pro (NM_001323413.2, NM_001323414.2); short protein forms R369P, R336P, R159P, R258P, R260P, R371P.
Identifiers: ClinVar variation 2936137 (VCV002936137.3), dbSNP rs745614904, ClinGen allele CA5620418.
Genomic context (GRCh38, chr10:95,626,743, plus strand): 5'-TTATCACCTAAGGTTATTACCTGCTCAGGTTCCAAGGTGGCCAACATCCTTCCTCCAGAT[C>G]GCGCCATTTCTCCCTGCTGCTCAACAGTAGGGCCTGCAAGAATATGTGCAAATATCAGGT-3'
Protein context (NP_002851.2, residues 361-381): PTVEQQGEMA[Arg371Pro]SGGRMLATLE